The following is an entry in ClinVar:

NC_000011.9:g.(?_108098346)_(108236241_?)dup

Genes: ATM (ATM serine/threonine kinase; plus strand), C11orf65 (chromosome 11 open reading frame 65; minus strand), LOC128772356 (melanoma risk locus-associated MPRA allelic enhancer 11:108140516; plus strand), LOC129390352 (MPRA-validated peak1449 silencer; plus strand), LOC129390353 (MPRA-validated peak1450 silencer; plus strand) and 1 more. Cytogenetic location: 11q22.3.
Variant type: Duplication.
Identifiers: ClinVar variation 524487 (VCV000524487.1).

ClinVar aggregate classification (germline): Uncertain significance (1 of 4 stars; one submission).

Conditions:
Ataxia-telangiectasia syndrome (AT). Also called: ATAXIA-TELANGIECTASIA, COMPLEMENTATION GROUP A; ATAXIA-TELANGIECTASIA, FRESNO VARIANT; Ataxia-telangiectasia; Ataxia-telangiectasia, complementation group D; AT, COMPLEMENTATION GROUP C; Ataxia-telangiectasia, complementation group E. Identifiers: Orphanet 100, MedGen C0004135, MONDO:0008840, OMIM 208900.

Submission:

Labcorp Genetics (formerly Invitae), Labcorp
Classification: Uncertain significance for Ataxia-telangiectasia syndrome. Last evaluated: 2017-09-07. Review status: criteria provided, single submitter. Criteria: Invitae Variant Classification Sherloc (09022015). Collection method: clinical testing. Allele origin: germline.
Comment: A gross duplication of the genomic region encompassing the full coding sequence of the ATM gene has been identified. The boundaries of this event are unknown as the duplication extends beyond the assayed region for this gene and therefore may encompass additional genes. As the precise location of this duplication is unknown, it may be in tandem or it may be located elsewhere in the genome. This variant has not been reported in the literature in individuals with ATM-related disease. Experimental studies and prediction algorithms are not available for this variant, and the functional significance of this duplication is currently unknown. In summary, the exact genomic location of this variant is unknown and the impact of this duplication on ATM protein function has not been established. Therefore, it has been classified as a Variant of Uncertain Significance.